The following is an entry in ClinVar:

ClinVar aggregate classification (germline): Uncertain significance. Review status: criteria provided, multiple submitters, no conflicts (2 of 4 stars). 3 submissions from 3 submitters: Uncertain significance (3). Last evaluated 2022-07-27.

Conditions:
Hereditary cancer-predisposing syndrome. Also called: Hereditary Cancer Syndrome; Neoplastic Syndromes, Hereditary; Hereditary neoplastic syndrome; Tumor predisposition. Identifiers: Orphanet 140162, MedGen C0027672, MeSH D009386, MONDO:0015356.
Microcephaly, normal intelligence and immunodeficiency (NBS). Also called: Nijmegen breakage syndrome; Microcephaly with normal intelligence immunodeficiency and lymphoreticular malignancies; Nonsyndromal microcephaly autosomal recessive with normal intelligence; Seemanova syndrome 2; Immunodeficiency, microcephaly with normal intelligence; Ataxia telangiectasia variant V1. Identifiers: Orphanet 647, MedGen C0398791, MONDO:0009623, OMIM 251260.

Submissions (3):

Ambry Genetics
Classification: Uncertain significance for Hereditary cancer-predisposing syndrome. Last evaluated: 2022-07-27. Review status: criteria provided, single submitter. Criteria: Ambry Variant Classification Scheme 2023. Collection method: clinical testing. Allele origin: germline.
Comment: The p.K320N variant (also known as c.960G>T), located in coding exon 8 of the NBN gene, results from a G to T substitution at nucleotide position 960. The lysine at codon 320 is replaced by asparagine, an amino acid with similar properties. This amino acid position is poorly conserved in available vertebrate species. In addition, this alteration is predicted to be tolerated by in silico analysis. Since supporting evidence is limited at this time, the clinical significance of this alteration remains unclear.

Labcorp Genetics (formerly Invitae), Labcorp
Classification: Uncertain significance for Microcephaly, normal intelligence and immunodeficiency. Last evaluated: 2022-06-09. Review status: criteria provided, single submitter. Criteria: Invitae Variant Classification Sherloc (09022015). Collection method: clinical testing. Allele origin: germline.
Comment: This sequence change replaces lysine, which is basic and polar, with asparagine, which is neutral and polar, at codon 320 of the NBN protein (p.Lys320Asn). This variant is not present in population databases (gnomAD no frequency). This variant has not been reported in the literature in individuals affected with NBN-related conditions. ClinVar contains an entry for this variant (Variation ID: 823375). Algorithms developed to predict the effect of missense changes on protein structure and function (SIFT, PolyPhen-2, Align-GVGD) all suggest that this variant is likely to be tolerated. In summary, the available evidence is currently insufficient to determine the role of this variant in disease. Therefore, it has been classified as a Variant of Uncertain Significance.

Genome-Nilou Lab
Classification: Uncertain significance for Microcephaly, normal intelligence and immunodeficiency. Last evaluated: 2021-11-07. Review status: criteria provided, single submitter. Criteria: ACMG Guidelines, 2015. Collection method: clinical testing. Allele origin: germline. Affected: no.

NM_002485.5(NBN):c.960G>T (p.Lys320Asn)

Gene: NBN (nibrin; minus strand). Cytogenetic location: 8q21.3.
Variant type: single nucleotide variant.
Coding change: c.960G>T on transcript NM_002485.5 (MANE Select); coding-DNA position 960, G replaced by T.
Protein change: p.Lys320Asn; replaces lysine 320 with asparagine.
Molecular consequence: missense variant.
Genome position (GRCh38, 1-based): chr8:89,964,444, C>A on the plus strand (G>T on the coding strand, the complement: NBN is on the minus strand). VCF-style: chr8-89964444-C-A. GRCh37 (hg19) VCF-style: chr8-90976672-C-A.
Other names: c.714G>T, p.Lys238Asn (NM_001024688.3); short protein forms K320N, K238N.
Identifiers: ClinVar variation 823375 (VCV000823375.13), dbSNP rs1554562125, ClinGen allele CA371656942.